The following is an entry in ClinVar:

NM_000465.4(BARD1):c.1568+3A>T

Gene: BARD1 (BRCA1 associated RING domain 1; minus strand). Cytogenetic location: 2q35.
Variant type: single nucleotide variant.
Coding change: c.1568+3A>T on transcript NM_000465.4 (MANE Select); 3 bases into the intron after coding-DNA position 1568, A replaced by T.
Molecular consequence: intron variant.
Genome position (GRCh38, 1-based): chr2:214,767,479, T>A on the plus strand (A>T on the coding strand, the complement: BARD1 is on the minus strand). VCF-style: chr2-214767479-T-A. GRCh37 (hg19) VCF-style: chr2-215632203-T-A.
Other names: c.1568+3A>T (LRG_297t1); c.159-14924A>T (NM_001282548.2); c.1511+3A>T (NM_001282543.2); c.216-14924A>T (NM_001282545.2); c.364+24818A>T (NM_001282549.2).
Identifiers: ClinVar variation 481419 (VCV000481419.6), dbSNP rs1280734884, ClinGen allele CA658657230.

ClinVar aggregate classification (germline): Uncertain significance (1 of 4 stars; one submission).

Conditions:
Hereditary cancer-predisposing syndrome. Also called: Tumor predisposition; Hereditary Cancer Syndrome; Neoplastic Syndromes, Hereditary; Hereditary neoplastic syndrome. Identifiers: Orphanet 140162, MedGen C0027672, MeSH D009386, MONDO:0015356.

Submission:

Ambry Genetics
Classification: Uncertain significance for Hereditary cancer-predisposing syndrome. Last evaluated: 2026-01-14. Review status: criteria provided, single submitter. Criteria: Ambry Variant Classification Scheme 2023. Collection method: clinical testing. Allele origin: germline.
Comment: The c.1568+3A>T intronic variant results from an A to T substitution 3 nucleotides after coding exon 6 in the BARD1 gene. This nucleotide position is not well conserved in available vertebrate species. In silico splice site analysis predicts that this alteration will weaken the native splice donor site; however, direct evidence is insufficient at this time (Ambry internal data). Based on the available evidence, the clinical significance of this variant remains unclear.